The following is an entry in ClinVar:

ClinVar aggregate classification (germline): Uncertain significance. Review status: criteria provided, multiple submitters, no conflicts (2 of 4 stars). 2 submissions from 2 submitters: Uncertain significance (2). Last evaluated 2025-09-22.

Conditions:
Cardiomyopathy (CMYO). Also called: Cardiomyopathies. Identifiers: Orphanet 167848, MedGen C0878544, MONDO:0004994, HP:0001638. Inheritance: Various modes of inheritance.
Hypertrophic cardiomyopathy. Also called: HYPERTROPHIC MYOCARDIOPATHY. Identifiers: Orphanet 217569, MedGen C0007194, MeSH D002312, MONDO:0005045, HP:0001639.

gnomAD v4.1: 2 of 1,613,644 alleles (0.00012%); highest among the groups gnomAD compares: Non-Finnish European, 0.00017%; no homozygotes.

Submissions (2):

Color Diagnostics, LLC DBA Color Health
Classification: Uncertain significance for Cardiomyopathy. Last evaluated: 2025-09-22. Review status: criteria provided, single submitter. Criteria: ACMG Guidelines, 2015. Collection method: clinical testing. Allele origin: germline.
Comment: This missense variant replaces arginine with lysine at codon 1372 of the MYH7 protein. Computational prediction is inconclusive regarding the impact of this variant on protein structure and function. To our knowledge, functional studies have not been reported for this variant. This variant has not been reported in individuals affected with MYH7-related disorders in the literature. This variant has not been identified in the general population by the Genome Aggregation Database (gnomAD). The available evidence is insufficient to determine the role of this variant in disease conclusively. Therefore, this variant is classified as a Variant of Uncertain Significance.

Labcorp Genetics (formerly Invitae), Labcorp
Classification: Uncertain significance for Hypertrophic cardiomyopathy. Last evaluated: 2024-12-02. Review status: criteria provided, single submitter. Criteria: Invitae Variant Classification Sherloc (09022015). Collection method: clinical testing. Allele origin: germline.
Comment: This sequence change replaces arginine, which is basic and polar, with lysine, which is basic and polar, at codon 1372 of the MYH7 protein (p.Arg1372Lys). This variant is not present in population databases (gnomAD no frequency). This variant has not been reported in the literature in individuals affected with MYH7-related conditions. Invitae Evidence Modeling of protein sequence and biophysical properties (such as structural, functional, and spatial information, amino acid conservation, physicochemical variation, residue mobility, and thermodynamic stability) indicates that this missense variant is expected to disrupt MYH7 protein function with a positive predictive value of 95%. In summary, the available evidence is currently insufficient to determine the role of this variant in disease. Therefore, it has been classified as a Variant of Uncertain Significance.

NM_000257.4(MYH7):c.4115G>A (p.Arg1372Lys)

Gene: MYH7 (myosin heavy chain 7; minus strand). Cytogenetic location: 14q11.2.
Variant type: single nucleotide variant.
Coding change: c.4115G>A on transcript NM_000257.4 (MANE Select); coding-DNA position 4115, G replaced by A.
Protein change: p.Arg1372Lys; replaces arginine 1372 with lysine.
Molecular consequence: missense variant.
Genome position (GRCh38, 1-based): chr14:23,418,264, C>T on the plus strand (G>A on the coding strand, the complement: MYH7 is on the minus strand). VCF-style: chr14-23418264-C-T. GRCh37 (hg19) VCF-style: chr14-23887473-C-T.
Other names: c.4115G>A, p.Arg1372Lys (NM_001407004.1); short protein forms R1372K.
Identifiers: ClinVar variation 3693846 (VCV003693846.3).